The following is an entry in ClinVar:

NM_000551.4(VHL):c.13G>C (p.Ala5Pro)

Gene: VHL (von Hippel-Lindau tumor suppressor; plus strand). Cytogenetic location: 3p25.3.
Variant type: single nucleotide variant.
Coding change: c.13G>C on transcript NM_000551.4 (MANE Select); coding-DNA position 13, G replaced by C.
Protein change: p.Ala5Pro; replaces alanine 5 with proline.
Molecular consequence: missense variant.
Genome position (GRCh38, 1-based): chr3:10,141,860, G>C. VCF-style: chr3-10141860-G-C. GRCh37 (hg19) VCF-style: chr3-10183544-G-C.
Other names: c.13G>C, p.Ala5Pro (NM_001354723.2, NM_198156.3); short protein forms A5P.
Identifiers: ClinVar variation 565618 (VCV000565618.9), dbSNP rs1559425498, ClinGen allele CA351747027.
Genomic context (GRCh38, chr3:10,141,860, plus strand): 5'-CCGCGGATCCCGCGGCGTCCGGCCCGGGTGGTCTGGATCGCGGAGGGAATGCCCCGGAGG[G>C]CGGAGAACTGGGACGAGGCCGAGGTAGGCGCGGAGGAGGCAGGCGTCGAAGAGTACGGCC-3'
Protein context (NP_000542.1, residues 1-15): MPRR[Ala5Pro]ENWDEAEVGA

ClinVar aggregate classification (germline): Uncertain significance. Review status: criteria provided, multiple submitters, no conflicts (2 of 4 stars). 2 submissions from 2 submitters: Uncertain significance (2). Last evaluated 2026-03-18.

Conditions:
Hereditary cancer-predisposing syndrome. Also called: Tumor predisposition; Hereditary Cancer Syndrome; Neoplastic Syndromes, Hereditary; Hereditary neoplastic syndrome. Identifiers: Orphanet 140162, MedGen C0027672, MeSH D009386, MONDO:0015356.
Chuvash polycythemia. Also called: POLYCYTHEMIA, VHL-DEPENDENT. Identifiers: Orphanet 238557, MedGen C1837915, MONDO:0009892, OMIM 263400.
Von Hippel-Lindau syndrome (VHLS). Also called: Von Hippel-Lindau; VHL syndrome; von Hippel–Lindau syndrome. Identifiers: Orphanet 892, MedGen C0019562, MONDO:0008667, OMIM 193300. Disease mechanism: loss of function.

Submissions (2):

Ambry Genetics
Classification: Uncertain significance for Hereditary cancer-predisposing syndrome. Last evaluated: 2026-03-18. Review status: criteria provided, single submitter. Criteria: Ambry Variant Classification Scheme 2023. Collection method: clinical testing. Allele origin: germline.
Comment: The p.A5P variant (also known as c.13G>C), located in coding exon 1 of the VHL gene, results from a G to C substitution at nucleotide position 13. The alanine at codon 5 is replaced by proline, an amino acid with highly similar properties. This amino acid position is highly conserved in available vertebrate species. In addition, the in silico prediction for this alteration is inconclusive. Based on the available evidence, the clinical significance of this variant remains unclear.

Labcorp Genetics (formerly Invitae), Labcorp
Classification: Uncertain significance for Von Hippel-Lindau syndrome; Chuvash polycythemia. Last evaluated: 2024-05-08. Review status: criteria provided, single submitter. Criteria: Invitae Variant Classification Sherloc (09022015). Collection method: clinical testing. Allele origin: germline.
Comment: This sequence change replaces alanine, which is neutral and non-polar, with proline, which is neutral and non-polar, at codon 5 of the VHL protein (p.Ala5Pro). This variant is not present in population databases (gnomAD no frequency). This variant has not been reported in the literature in individuals affected with VHL-related conditions. ClinVar contains an entry for this variant (Variation ID: 565618). Advanced modeling of protein sequence and biophysical properties (such as structural, functional, and spatial information, amino acid conservation, physicochemical variation, residue mobility, and thermodynamic stability) has been performed at Invitae for this missense variant, however the output from this modeling did not meet the statistical confidence thresholds required to predict the impact of this variant on VHL protein function. In summary, the available evidence is currently insufficient to determine the role of this variant in disease. Therefore, it has been classified as a Variant of Uncertain Significance.